The following is an entry in ClinVar:

ClinVar aggregate classification (germline): Uncertain significance. Review status: criteria provided, multiple submitters, no conflicts (2 of 4 stars). 2 submissions from 2 submitters: Uncertain significance (2). Last evaluated 2025-12-03.

Allele frequency attached by ClinVar (database versions not stated): ExAC 0.00001; gnomAD 0.00001 and 0.00002; gnomAD exomes 0.00001; TOPMed 0.00003.
gnomAD v4.1: 47 of 1,613,834 alleles (0.0029%); highest among the groups gnomAD compares: East Asian, 0.0045%; no homozygotes.

Submissions (2):

Labcorp Genetics (formerly Invitae), Labcorp
Classification: Uncertain significance. Last evaluated: 2025-12-03. Review status: criteria provided, single submitter. Criteria: Invitae Variant Classification Sherloc (09022015). Collection method: clinical testing. Allele origin: germline.
Comment: This sequence change replaces arginine, which is basic and polar, with cysteine, which is neutral and slightly polar, at codon 1897 of the SCN3A protein (p.Arg1897Cys). This variant is present in population databases (rs781506035, gnomAD 0.003%). This missense change has been observed in individual(s) with clinical features of SCN3A-related conditions (internal data). ClinVar contains an entry for this variant (Variation ID: 1446809). Invitae Evidence Modeling of protein sequence and biophysical properties (such as structural, functional, and spatial information, amino acid conservation, physicochemical variation, residue mobility, and thermodynamic stability) has been performed for this missense variant. However, the output from this modeling did not meet the statistical confidence thresholds required to predict the impact of this variant on SCN3A protein function. In summary, the available evidence is currently insufficient to determine the role of this variant in disease. Therefore, it has been classified as a Variant of Uncertain Significance.

CeGaT Center for Human Genetics Tuebingen
Classification: Uncertain significance. Last evaluated: 2024-01-01. Review status: criteria provided, single submitter. Criteria: CeGaT Center For Human Genetics Tuebingen Variant Classification Criteria Version 2. Collection method: clinical testing. Allele origin: germline. Affected: yes. Observed: 1 variant allele.
Comment: SCN3A: PP3

NM_006922.4(SCN3A):c.5689C>T (p.Arg1897Cys)

Gene: SCN3A (sodium voltage-gated channel alpha subunit 3; minus strand). Cytogenetic location: 2q24.3.
Variant type: single nucleotide variant.
Coding change: c.5689C>T on transcript NM_006922.4 (MANE Select); coding-DNA position 5689, C replaced by T.
Protein change: p.Arg1897Cys; replaces arginine 1897 with cysteine.
Molecular consequence: missense variant.
Genome position (GRCh38, 1-based): chr2:165,090,464, G>A on the plus strand (C>T on the coding strand, the complement: SCN3A is on the minus strand). VCF-style: chr2-165090464-G-A. GRCh37 (hg19) VCF-style: chr2-165946974-G-A.
Other names: c.5542C>T, p.Arg1848Cys (NM_001081676.2, NM_001081677.2); short protein forms R1897C, R1848C.
Identifiers: ClinVar variation 1446809 (VCV001446809.30), dbSNP rs781506035, ClinGen allele CA1938370.